The following is an entry in ClinVar:

NM_000057.4(BLM):c.129A>G (p.Ser43=)

Gene: BLM (BLM RecQ like helicase; plus strand). Cytogenetic location: 15q26.1.
Variant type: single nucleotide variant.
Coding change: c.129A>G on transcript NM_000057.4 (MANE Select); coding-DNA position 129, A replaced by G.
Protein change: p.Ser43=; no amino-acid change (serine 43 retained).
Molecular consequence: synonymous variant. On other transcripts: 5 prime UTR variant (1).
Genome position (GRCh38, 1-based): chr15:90,749,397, A>G. VCF-style: chr15-90749397-A-G. GRCh37 (hg19) VCF-style: chr15-91292627-A-G.
Other names: c.129A>G, p.Ser43= (NM_001287246.2, NM_001287247.2); c.-1163A>G (NM_001287248.2).
Identifiers: ClinVar variation 701510 (VCV000701510.18), dbSNP rs767605181, ClinGen allele CA7738250.

ClinVar aggregate classification (germline): Likely benign. Review status: criteria provided, multiple submitters, no conflicts (2 of 4 stars). 4 submissions from 4 submitters: Likely benign (2). 2 of the submissions do not count toward it. Last evaluated 2026-02-04.

Conditions:
Bloom syndrome (BLM). Also called: Bloom-Torre-Machacek syndrome. Identifiers: Orphanet 125, MedGen C0005859, MONDO:0008876, OMIM 210900.
BLM-related disorder. Also called: BLM-related condition.
Hereditary cancer-predisposing syndrome. Also called: Hereditary Cancer Syndrome; Tumor predisposition; Neoplastic Syndromes, Hereditary; Hereditary neoplastic syndrome. Identifiers: Orphanet 140162, MedGen C0027672, MeSH D009386, MONDO:0015356.

Allele frequency attached by ClinVar (database versions not stated): gnomAD exomes 0.00001 and 0.00002; ExAC 0.00002; gnomAD 0.00003 and 0.00004; TOPMed 0.00009.
gnomAD v4.1: 17 of 1,606,420 alleles (0.0011%); highest among the groups gnomAD compares: Admixed American, 0.013%; no homozygotes.

Submissions (4):

Labcorp Genetics (formerly Invitae), Labcorp
Classification: Likely benign for Bloom syndrome. Last evaluated: 2026-02-04. Review status: criteria provided, single submitter. Criteria: Invitae Variant Classification Sherloc (09022015). Collection method: clinical testing. Allele origin: germline.

Ambry Genetics
Classification: Likely benign for Hereditary cancer-predisposing syndrome. Last evaluated: 2019-03-14. Review status: criteria provided, single submitter. Criteria: Ambry Variant Classification Scheme 2023. Collection method: clinical testing. Allele origin: germline.

PreventionGenetics, part of Exact Sciences
Classification: Likely benign for BLM-related condition. Last evaluated: 2023-08-14. Review status: no assertion criteria provided. Collection method: clinical testing. Allele origin: germline. Not counted in ClinVar's aggregate classification.
Comment: This variant is classified as likely benign based on ACMG/AMP sequence variant interpretation guidelines (Richards et al. 2015 PMID: 25741868, with internal and published modifications).

Natera, Inc.
Classification: Likely benign for Bloom syndrome. Last evaluated: 2020-09-16. Review status: no assertion criteria provided. Collection method: clinical testing. Allele origin: germline. Not counted in ClinVar's aggregate classification.